The following is an entry in ClinVar:

NM_001040716.2(PC):c.239_240insCTTGA (p.Asp81fs)

Gene: PC (pyruvate carboxylase; minus strand). Cytogenetic location: 11q13.2.
Variant type: Insertion.
Coding change: c.239_240insCTTGA on transcript NM_001040716.2 (MANE Select); coding-DNA positions 239 to 240, CTTGA inserted.
Protein change: p.Asp81fs; shifts the reading frame from aspartic acid 81.
Molecular consequence: frameshift variant.
Genome position: GRCh38 VCF-style: chr11-66871768-T-TTCAAG. GRCh37 (hg19) VCF-style: chr11-66639239-T-TTCAAG.
Other names: c.239_240insCTTGA, p.Asp81fs (NM_000920.4, NM_022172.3); short protein forms D81fs.
Identifiers: ClinVar variation 1726966 (VCV001726966.2), dbSNP rs2495798799, ClinGen allele CA2580084601.

ClinVar aggregate classification (germline): Likely pathogenic (1 of 4 stars; one submission).

Conditions:
Pyruvate carboxylase deficiency. Also called: ATAXIA WITH LACTIC ACIDOSIS II; LEIGH NECROTIZING ENCEPHALOPATHY DUE TO PYRUVATE CARBOXYLASE DEFICIENCY; LEIGH SYNDROME DUE TO PYRUVATE CARBOXYLASE DEFICIENCY; PC DEFICIENCY; Pyruvate Carboxylase Deficiency Disease. Identifiers: Orphanet 3008, MedGen C0034341, MONDO:0009949, OMIM 266150.

Submission:

Myriad Genetics, Inc.
Classification: Likely pathogenic for Pyruvate carboxylase deficiency. Last evaluated: 2022-01-02. Review status: criteria provided, single submitter. Criteria: Myriad Women's Health Autosomal Recessive and X-Linked Classification Criteria (2021). Collection method: clinical testing. Allele origin: unknown.
Comment: NM_000920.3(PC):c.239_240ins5(D81Lfs*33) is expected to be pathogenic in the context of pyruvate carboxylase deficiency. This variant is predicted to lead to an abnormal or absent protein product due to the creation of a premature termination codon in PC, a gene where loss-of-function variants are known to be pathogenic. Please note: this variant was assessed in the context of healthy population screening.